The following is an entry in ClinVar:

ClinVar aggregate classification (germline): Uncertain significance (1 of 4 stars; one submission).

Submission:

Labcorp Genetics (formerly Invitae), Labcorp
Classification: Uncertain significance. Last evaluated: 2021-10-13. Review status: criteria provided, single submitter. Criteria: Invitae Variant Classification Sherloc (09022015). Collection method: clinical testing. Allele origin: germline.
Comment: This variant is not present in population databases (ExAC no frequency). This sequence change replaces aspartic acid with glycine at codon 1091 of the COL11A2 protein (p.Asp1091Gly). The aspartic acid residue is highly conserved and there is a moderate physicochemical difference between aspartic acid and glycine. This variant has not been reported in the literature in individuals affected with COL11A2-related conditions. Advanced modeling of protein sequence and biophysical properties (such as structural, functional, and spatial information, amino acid conservation, physicochemical variation, residue mobility, and thermodynamic stability) performed at Invitae indicates that this missense variant is not expected to disrupt COL11A2 protein function. In summary, the available evidence is currently insufficient to determine the role of this variant in disease. Therefore, it has been classified as a Variant of Uncertain Significance.

NM_080680.3(COL11A2):c.3272A>G (p.Asp1091Gly)

Gene: COL11A2 (collagen type XI alpha 2 chain; minus strand). Cytogenetic location: 6p21.32.
Variant type: single nucleotide variant.
Coding change: c.3272A>G on transcript NM_080680.3 (MANE Select); coding-DNA position 3272, A replaced by G.
Protein change: p.Asp1091Gly; replaces aspartic acid 1091 with glycine.
Molecular consequence: missense variant.
Genome position (GRCh38, 1-based): chr6:33,171,311, T>C on the plus strand (A>G on the coding strand, the complement: COL11A2 is on the minus strand). VCF-style: chr6-33171311-T-C. GRCh37 (hg19) VCF-style: chr6-33139088-T-C.
Other names: c.2951A>G, p.Asp984Gly (NM_080679.3); c.3014A>G, p.Asp1005Gly (NM_080681.3); short protein forms D1005G, D1091G, D984G.
Identifiers: ClinVar variation 1386657 (VCV001386657.6), dbSNP rs2150545796, ClinGen allele CA363635507.
Genomic context (GRCh38, chr6:33,171,311, plus strand): 5'-TCAAGGTCATGGACACTTACATGTTCACCCTTGTTCCCTTTGGTGCCCTTCTGTCCGGGG[T>C]CCCCCACCTCACCCTGGGAGGAGAAGGCAGACAAGATATTAGAGAAAGGTGATGGGTAGA-3'
Protein context (NP_542411.2, residues 1081-1101): GEDGDKGEVG[Asp1091Gly]PGQKGTKGNK